The following is an entry in ClinVar:

NM_153717.3(EVC):c.2970C>A (p.Ser990Arg)

Gene: EVC (EvC ciliary complex subunit 1; plus strand). Cytogenetic location: 4p16.2.
Variant type: single nucleotide variant.
Coding change: c.2970C>A on transcript NM_153717.3 (MANE Select); coding-DNA position 2970, C replaced by A.
Protein change: p.Ser990Arg; replaces serine 990 with arginine.
Molecular consequence: missense variant.
Genome position (GRCh38, 1-based): chr4:5,811,028, C>A. VCF-style: chr4-5811028-C-A. GRCh37 (hg19) VCF-style: chr4-5812755-C-A.
Other names: c.2967C>A, p.Ser989Arg (NM_001306090.2); short protein forms S989R, S990R.
Identifiers: ClinVar variation 1465450 (VCV001465450.9), dbSNP rs1716842535, ClinGen allele CA356153594.

ClinVar aggregate classification (germline): Uncertain significance (1 of 4 stars; one submission).

Conditions:
Ellis-van Creveld syndrome (EVC). Also called: Chondroectodermal dysplasia; MESOECTODERMAL DYSPLASIA; EVC-Related Ellis-van Creveld Syndrome; EVC2-Related Ellis-van Creveld Syndrome. Identifiers: Orphanet 289, MedGen C0013903, MONDO:0009162, OMIM 225500.
Curry-Hall syndrome (WAD). Also called: WEYERS ACRODENTAL DYSOSTOSIS. Identifiers: Orphanet 952, MedGen C0457013, MONDO:0008673, OMIM 193530.

Allele frequency attached by ClinVar (database versions not stated): gnomAD exomes below 0.00001.
gnomAD v4.1: 1 of 1,611,360 alleles (0.000062%); highest among the groups gnomAD compares: East Asian, 0.0022%; no homozygotes.

Submission:

Labcorp Genetics (formerly Invitae), Labcorp
Classification: Uncertain significance for Curry-Hall syndrome; Ellis-van Creveld syndrome. Last evaluated: 2022-06-20. Review status: criteria provided, single submitter. Criteria: Invitae Variant Classification Sherloc (09022015). Collection method: clinical testing. Allele origin: germline.
Comment: This variant has not been reported in the literature in individuals affected with EVC-related conditions. This sequence change replaces serine, which is neutral and polar, with arginine, which is basic and polar, at codon 990 of the EVC protein (p.Ser990Arg). This variant is not present in population databases (gnomAD no frequency). Algorithms developed to predict the effect of missense changes on protein structure and function are either unavailable or do not agree on the potential impact of this missense change (SIFT: "Deleterious"; PolyPhen-2: "Benign"; Align-GVGD: "Class C0"). In summary, the available evidence is currently insufficient to determine the role of this variant in disease. Therefore, it has been classified as a Variant of Uncertain Significance.